The following is an entry in ClinVar:

ClinVar aggregate classification (germline): Uncertain significance (1 of 4 stars; one submission).

Allele frequency attached by ClinVar (database versions not stated): TOPMed 0.00001.
gnomAD v4.1: 3 of 1,614,088 alleles (0.00019%); highest among the groups gnomAD compares: Non-Finnish European, 0.00025%; no homozygotes.

Submission:

GeneDx
Classification: Uncertain significance. Last evaluated: 2019-12-17. Review status: criteria provided, single submitter. Criteria: GeneDx Variant Classification Process June 2021. Collection method: clinical testing. Allele origin: germline. Affected: yes.
Comment: Not observed in large population cohorts (Lek et al., 2016); In silico analysis, which includes protein predictors and evolutionary conservation, supports that this variant does not alter protein structure/function; In-silico analysis, which includes splice predictors and evolutionary conservation, is inconclusive as to whether the variant alters gene splicing. In the absence of RNA/functional studies, the actual effect of this sequence change is unknown.; Has not been previously published as pathogenic or benign to our knowledge

NM_001145358.2(SIN3A):c.307G>A (p.Ala103Thr)

Gene: SIN3A (SIN3 transcription regulator family member A; minus strand). Cytogenetic location: 15q24.2.
Variant type: single nucleotide variant.
Coding change: c.307G>A on transcript NM_001145358.2 (MANE Select); coding-DNA position 307, G replaced by A.
Protein change: p.Ala103Thr; replaces alanine 103 with threonine.
Molecular consequence: missense variant.
Genome position (GRCh38, 1-based): chr15:75,422,706, C>T on the plus strand (G>A on the coding strand, the complement: SIN3A is on the minus strand). VCF-style: chr15-75422706-C-T. GRCh37 (hg19) VCF-style: chr15-75715047-C-T.
Other names: c.307G>A, p.Ala103Thr (NM_001145357.2, NM_015477.3); short protein forms A103T.
Identifiers: ClinVar variation 1311372 (VCV001311372.2), dbSNP rs1175637599, ClinGen allele CA393458550.